The following is an entry in ClinVar:

ClinVar aggregate classification (germline): Uncertain significance (1 of 4 stars; one submission).

Submission:

Women's Health and Genetics/Laboratory Corporation of America, LabCorp
Classification: Uncertain significance. Last evaluated: 2025-07-29. Review status: criteria provided, single submitter. Criteria: LabCorp Variant Classification Summary - May 2015. Collection method: clinical testing. Allele origin: germline.
Comment: Variant summary: The variant involves the duplication of exons 11-14 in the PREPL gene. A presumed nomenclature of c.(1746+1_1747-1)_(*3750_?)dup has been designated for the purposes of this classification. The exact breakpoint at the 3' end of this variant is unknown, therefore this duplication may extend downstream of the annotated region of the gene. As it duplicates the termination codon, its effect on the encoded protein is unknown. The variant was absent in 21662 control chromosomes. The available data on variant occurrences in the general population are insufficient to allow any conclusion about variant significance. To our knowledge, no occurrence of c.(1746+1_1747-1)_(*3750_?)dup in individuals affected with Myasthenic Syndrome, Congenital, 22 and no experimental evidence demonstrating its impact on protein function have been reported. No submitters have cited clinical-significance assessments for this variant to ClinVar. Based on the evidence outlined above, the variant was classified as uncertain significance.

NC_000002.11:g.(?_44544745)_(44550551_44553850)dup

Genes: PREPL (prolyl endopeptidase like; minus strand), SLC3A1 (solute carrier family 3 member 1; plus strand). Cytogenetic location: 2p21.
Variant type: Duplication.
Identifiers: ClinVar variation 4526136 (VCV004526136.1).